The following is an entry in ClinVar:

NM_002691.4(POLD1):c.2470A>C (p.Met824Leu)

Gene: POLD1 (DNA polymerase delta 1, catalytic subunit; plus strand). Cytogenetic location: 19q13.33.
Variant type: single nucleotide variant.
Coding change: c.2470A>C on transcript NM_002691.4 (MANE Select); coding-DNA position 2470, A replaced by C.
Protein change: p.Met824Leu; replaces methionine 824 with leucine.
Molecular consequence: missense variant. On other transcripts: non-coding transcript variant (1).
Genome position (GRCh38, 1-based): chr19:50,414,896, A>C. VCF-style: chr19-50414896-A-C. GRCh37 (hg19) VCF-style: chr19-50918153-A-C.
Other names: c.2470A>C, p.Met824Leu (NM_001256849.1); c.2548A>C, p.Met850Leu (NM_001308632.1); short protein forms M824L, M850L.
Identifiers: ClinVar variation 1791775 (VCV001791775.7), dbSNP rs779675467, ClinGen allele CA406984843.

ClinVar aggregate classification (germline): Uncertain significance. Review status: criteria provided, multiple submitters, no conflicts (2 of 4 stars). 2 submissions from 2 submitters: Uncertain significance (2). Last evaluated 2023-12-06.

Conditions:
POLD1-related polyposis and colorectal cancer syndrome (CRCS10). Also called: Colorectal cancer 10; COLORECTAL CANCER, SUSCEPTIBILITY TO, ON CHROMOSOME 19q; Colorectal cancer, susceptibility to, 10. Identifiers: Orphanet 220460, MedGen C2675481, MONDO:0012953, OMIM 612591.
Hereditary cancer-predisposing syndrome. Also called: Tumor predisposition; Hereditary Cancer Syndrome; Hereditary neoplastic syndrome; Neoplastic Syndromes, Hereditary. Identifiers: Orphanet 140162, MedGen C0027672, MeSH D009386, MONDO:0015356.

gnomAD v4.1: 1 of 1,609,538 alleles (0.000062%); highest among the groups gnomAD compares: East Asian, 0.0022%; no homozygotes.

Submissions (2):

Labcorp Genetics (formerly Invitae), Labcorp
Classification: Uncertain significance for POLD1-related polyposis and colorectal cancer syndrome. Last evaluated: 2023-12-06. Review status: criteria provided, single submitter. Criteria: Invitae Variant Classification Sherloc (09022015). Collection method: clinical testing. Allele origin: germline.
Comment: This sequence change replaces methionine, which is neutral and non-polar, with leucine, which is neutral and non-polar, at codon 824 of the POLD1 protein (p.Met824Leu). This variant is not present in population databases (gnomAD no frequency). This variant has not been reported in the literature in individuals affected with POLD1-related conditions. ClinVar contains an entry for this variant (Variation ID: 1791775). Advanced modeling of protein sequence and biophysical properties (such as structural, functional, and spatial information, amino acid conservation, physicochemical variation, residue mobility, and thermodynamic stability) performed at Invitae indicates that this missense variant is not expected to disrupt POLD1 protein function with a negative predictive value of 80%. In summary, the available evidence is currently insufficient to determine the role of this variant in disease. Therefore, it has been classified as a Variant of Uncertain Significance.

Ambry Genetics
Classification: Uncertain significance for Hereditary cancer-predisposing syndrome. Last evaluated: 2022-03-03. Review status: criteria provided, single submitter. Criteria: Ambry Variant Classification Scheme 2023. Collection method: clinical testing. Allele origin: germline.
Comment: The p.M824L variant (also known as c.2470A>C), located in coding exon 19 of the POLD1 gene, results from an A to C substitution at nucleotide position 2470. The methionine at codon 824 is replaced by leucine, an amino acid with highly similar properties. This amino acid position is conserved. In addition, this alteration is predicted to be tolerated by in silico analysis. Since supporting evidence is limited at this time, the clinical significance of this alteration remains unclear.